The following is an entry in ClinVar:

NM_001367479.1(DNAH14):c.721A>G (p.Arg241Gly)

Gene: DNAH14 (dynein axonemal heavy chain 14; plus strand). Cytogenetic location: 1q42.12.
Variant type: single nucleotide variant.
Coding change: c.721A>G on transcript NM_001367479.1 (MANE Select); coding-DNA position 721, A replaced by G.
Protein change: p.Arg241Gly; replaces arginine 241 with glycine.
Molecular consequence: missense variant.
Genome position (GRCh38, 1-based): chr1:224,968,828, A>G. VCF-style: chr1-224968828-A-G. GRCh37 (hg19) VCF-style: chr1-225156530-A-G.
Other names: NM_001373.1:c.721A>G; c.721A>G, p.Arg241Gly (NM_001145154.3, NM_001367481.1); c.652A>G, p.Arg218Gly (NM_001349911.2); c.571A>G, p.Arg191Gly (NM_001349912.2); short protein forms R191G, R218G, R241G.
Identifiers: ClinVar variation 5017925 (VCV005017925.1).

ClinVar aggregate classification (germline): Uncertain significance (1 of 4 stars; one submission).

Submission:

GeneDx
Classification: Uncertain significance. Last evaluated: 2026-03-31. Review status: criteria provided, single submitter. Criteria: GeneDx Variant Classification Process June 2021. Collection method: clinical testing. Allele origin: germline.
Comment: Not observed at significant frequency in large population cohorts (gnomAD); In silico analysis supports that this missense variant has a deleterious effect on protein structure/function; Has not been previously published as pathogenic or benign to our knowledge